The following is an entry in ClinVar:

ClinVar aggregate classification (germline): Uncertain significance. Review status: criteria provided, multiple submitters, no conflicts (2 of 4 stars). 2 submissions from 2 submitters: Uncertain significance (2). Last evaluated 2024-11-26.

Conditions:
Idiopathic generalized epilepsy. Also called: Generalised epilepsy; EIG. Identifiers: MedGen C0270850, MONDO:0005579, OMIM 600669.
Hyperaldosteronism, familial, type IV (HALD4). Also called: FH IV; ALDOSTERONISM, PRIMARY, AND HYPERTENSION. Identifiers: Orphanet 642671, MedGen C4310756, MONDO:0014875, OMIM 617027.

Allele frequency attached by ClinVar (database versions not stated): TOPMed below 0.00001; gnomAD 0.00001.
gnomAD v4.1: 12 of 1,558,168 alleles (0.00077%); highest among the groups gnomAD compares: Non-Finnish European, 0.00095%; no homozygotes.

Submissions (2):

Blueprint Genetics
Classification: Uncertain significance. Last evaluated: 2024-11-26. Review status: criteria provided, single submitter. Criteria: ACMG Guidelines, 2015. Collection method: clinical testing. Allele origin: germline.

Labcorp Genetics (formerly Invitae), Labcorp
Classification: Uncertain significance for Idiopathic generalized epilepsy; Hyperaldosteronism, familial, type IV. Last evaluated: 2024-09-04. Review status: criteria provided, single submitter. Criteria: Invitae Variant Classification Sherloc (09022015). Collection method: clinical testing. Allele origin: germline.
Comment: This sequence change replaces proline, which is neutral and non-polar, with arginine, which is basic and polar, at codon 673 of the CACNA1H protein (p.Pro673Arg). This variant is not present in population databases (gnomAD no frequency). This variant has not been reported in the literature in individuals affected with CACNA1H-related conditions. ClinVar contains an entry for this variant (Variation ID: 1040076). Invitae Evidence Modeling of protein sequence and biophysical properties (such as structural, functional, and spatial information, amino acid conservation, physicochemical variation, residue mobility, and thermodynamic stability) indicates that this missense variant is not expected to disrupt CACNA1H protein function with a negative predictive value of 80%. In summary, the available evidence is currently insufficient to determine the role of this variant in disease. Therefore, it has been classified as a Variant of Uncertain Significance.

NM_021098.3(CACNA1H):c.2018C>G (p.Pro673Arg)

Gene: CACNA1H (calcium voltage-gated channel subunit alpha1 H; plus strand). Cytogenetic location: 16p13.3.
Variant type: single nucleotide variant.
Coding change: c.2018C>G on transcript NM_021098.3 (MANE Select); coding-DNA position 2018, C replaced by G.
Protein change: p.Pro673Arg; replaces proline 673 with arginine.
Molecular consequence: missense variant.
Genome position (GRCh38, 1-based): chr16:1,204,025, C>G. VCF-style: chr16-1204025-C-G. GRCh37 (hg19) VCF-style: chr16-1254025-C-G.
Other names: c.2018C>G, p.Pro673Arg (NM_001005407.2); short protein forms P673R.
Identifiers: ClinVar variation 1040076 (VCV001040076.11), dbSNP rs1466381514, ClinGen allele CA394165259.